The following is an entry in ClinVar:

ClinVar aggregate classification (germline): Uncertain significance. Review status: criteria provided, multiple submitters, no conflicts (2 of 4 stars). 2 submissions from 2 submitters: Uncertain significance (2). Last evaluated 2026-01-13.

Conditions:
Hereditary cancer-predisposing syndrome. Also called: Tumor predisposition; Hereditary neoplastic syndrome; Hereditary Cancer Syndrome; Neoplastic Syndromes, Hereditary. Identifiers: Orphanet 140162, MedGen C0027672, MeSH D009386, MONDO:0015356.
Familial adenomatous polyposis 1 (FAP1). Also called: FAMILIAL ADENOMATOUS POLYPOSIS 1, ATTENUATED; POLYPOSIS, ADENOMATOUS INTESTINAL. Identifiers: MedGen C2713442, MONDO:0021056, OMIM 175100. Disease mechanism: loss of function.

Allele frequency attached by ClinVar (database versions not stated): gnomAD exomes below 0.00001.
gnomAD v4.1: 2 of 1,614,006 alleles (0.00012%); highest among the groups gnomAD compares: Non-Finnish European, 0.00017%; no homozygotes.

Submissions (2):

Ambry Genetics
Classification: Uncertain significance for Hereditary cancer-predisposing syndrome. Last evaluated: 2026-01-13. Review status: criteria provided, single submitter. Criteria: Ambry Variant Classification Scheme 2023. Collection method: clinical testing. Allele origin: germline.
Comment: The p.T1910A variant (also known as c.5728A>G), located in coding exon 15 of the APC gene, results from an A to G substitution at nucleotide position 5728. The threonine at codon 1910 is replaced by alanine, an amino acid with similar properties. This amino acid position is conserved. In addition, in silico predictors for this gene do not accurately predict pathogenicity. Based on the available evidence, the clinical significance of this variant remains unclear.

Labcorp Genetics (formerly Invitae), Labcorp
Classification: Uncertain significance for Familial adenomatous polyposis 1. Last evaluated: 2024-10-24. Review status: criteria provided, single submitter. Criteria: Invitae Variant Classification Sherloc (09022015). Collection method: clinical testing. Allele origin: germline.
Comment: This sequence change replaces threonine, which is neutral and polar, with alanine, which is neutral and non-polar, at codon 1910 of the APC protein (p.Thr1910Ala). This variant is not present in population databases (gnomAD no frequency). This variant has not been reported in the literature in individuals affected with APC-related conditions. ClinVar contains an entry for this variant (Variation ID: 938161). Invitae Evidence Modeling of protein sequence and biophysical properties (such as structural, functional, and spatial information, amino acid conservation, physicochemical variation, residue mobility, and thermodynamic stability) indicates that this missense variant is not expected to disrupt APC protein function with a negative predictive value of 95%. In summary, the available evidence is currently insufficient to determine the role of this variant in disease. Therefore, it has been classified as a Variant of Uncertain Significance.

NM_000038.6(APC):c.5728A>G (p.Thr1910Ala)

Gene: APC (APC regulator of Wnt signaling pathway; plus strand). Cytogenetic location: 5q22.2.
Variant type: single nucleotide variant.
Coding change: c.5728A>G on transcript NM_000038.6 (MANE Select); coding-DNA position 5728, A replaced by G.
Protein change: p.Thr1910Ala; replaces threonine 1910 with alanine.
Molecular consequence: missense variant.
Genome position (GRCh38, 1-based): chr5:112,841,322, A>G. VCF-style: chr5-112841322-A-G. GRCh37 (hg19) VCF-style: chr5-112177019-A-G.
Other names: c.5728A>G, p.Thr1910Ala (NM_001127510.3, NM_001354895.2); c.5674A>G, p.Thr1892Ala (NM_001127511.3); c.5782A>G, p.Thr1928Ala (NM_001354896.2); c.5758A>G, p.Thr1920Ala (NM_001354897.2); c.5653A>G, p.Thr1885Ala (NM_001354898.2); c.5644A>G, p.Thr1882Ala (NM_001354899.2); c.5605A>G, p.Thr1869Ala (NM_001354900.2); c.5551A>G, p.Thr1851Ala (NM_001354901.2); and 5 more; short protein forms T1784A, T1809A, T1819A, T1869A, T1885A, T1892A, T1928A, T1750A.
Identifiers: ClinVar variation 938161 (VCV000938161.12), dbSNP rs1766024343, ClinGen allele CA16033872.
Genomic context (GRCh38, chr5:112,841,322, plus strand): 5'-TCAGAGGCTAAAGTTACCAGCCACACAGAACTAACCTCCAACCAACAATCAGCTAATAAG[A>G]CACAAGCTATTGCAAAGCAGCCAATAAATCGAGGTCAGCCTAAACCCATACTTCAGAAAC-3'
Protein context (NP_000029.2, residues 1900-1920): LTSNQQSANK[Thr1910Ala]QAIAKQPINR